The following is an entry in ClinVar:

ClinVar aggregate classification (germline): Uncertain significance (1 of 4 stars; one submission).

Submission:

Labcorp Genetics (formerly Invitae), Labcorp
Classification: Uncertain significance. Last evaluated: 2023-12-13. Review status: criteria provided, single submitter. Criteria: Invitae Variant Classification Sherloc (09022015). Collection method: clinical testing. Allele origin: germline.
Comment: This variant, c.440_442del, results in the deletion of 1 amino acid(s) of the USB1 protein (p.Ser147del), but otherwise preserves the integrity of the reading frame. This variant is not present in population databases (gnomAD no frequency). This variant has not been reported in the literature in individuals affected with USB1-related conditions. Experimental studies and prediction algorithms are not available or were not evaluated, and the functional significance of this variant is currently unknown. In summary, the available evidence is currently insufficient to determine the role of this variant in disease. Therefore, it has been classified as a Variant of Uncertain Significance.

NM_024598.4(USB1):c.437CCT[1] (p.Ser147del)

Gene: USB1 (U6 snRNA biogenesis phosphodiesterase 1; plus strand). Cytogenetic location: 16q21.
Variant type: Microsatellite.
Coding change: c.437CCT[1] on transcript NM_024598.4 (MANE Select); one copy of the 3-base unit CCT starting at c.437; the reference has two copies in a row; one copy, 3 bases deleted.
Protein change: p.Ser147del; deletes serine 147.
Molecular consequence: inframe deletion.
Genome position (GRCh38, 1-based): chr16:58,010,103-58,010,105, CCT deleted; deleting any 3 consecutive bases within chr16:58,010,100-58,010,105 gives the same sequence; the position shown is the placement nearest the transcript's 3' end. VCF-style (leftmost placement, unchanged base first): chr16-58010099-ACCT-A. GRCh37 (hg19) VCF-style: chr16-58044003-ACCT-A.
Other names: c.437CCT[1], p.Ser147del (NM_001195302.2, NM_001204911.2, NM_001330569.2); c.284CCT[1], p.Ser96del (NM_001330568.2); short protein forms S147del, S96del.
Identifiers: ClinVar variation 2994465 (VCV002994465.3), dbSNP rs2544726577, ClinGen allele CA2740093399.
Genomic context (GRCh38, chr16:58,010,099, plus strand): 5'-AGTGTGGTTCTGCGCCACCACTGGATCCTCCCCTTCGTGCAGGCTCTGAAAGCCCGTATG[ACCT>A]CCTTCCACAGGTGAGTGCTTCTTCCCTCTGCCTCTCCACTCCCTCCCCTCCATGGCTTCT-3'